The following is an entry in ClinVar:

ClinVar aggregate classification (germline): Uncertain significance (1 of 4 stars; one submission).

Submission:

Dasa
Classification: Uncertain significance. Last evaluated: 2025-09-21. Review status: criteria provided, single submitter. Criteria: DASA Assertion Criteria. Collection method: clinical testing. Allele origin: germline.
Comment: NM_001297.5(CNGB1):c.517C>T (p.Pro173Ser) is a missense variant that results in the substitution of proline with serine. This variant is rare in population databases. The currently available literature and clinical evidence are not sufficient to establish a definitive association between this variant and the reported condition. Therefore, this variant is classified as a variant of uncertain significance.

NM_001297.5(CNGB1):c.517C>T (p.Pro173Ser)

Gene: CNGB1 (cyclic nucleotide gated channel subunit beta 1; minus strand). Cytogenetic location: 16q21.
Variant type: single nucleotide variant.
Coding change: c.517C>T on transcript NM_001297.5 (MANE Select); coding-DNA position 517, C replaced by T.
Protein change: p.Pro173Ser; replaces proline 173 with serine.
Molecular consequence: missense variant.
Genome position (GRCh38, 1-based): chr16:57,960,857, G>A on the plus strand (C>T on the coding strand, the complement: CNGB1 is on the minus strand). VCF-style: chr16-57960857-G-A. GRCh37 (hg19) VCF-style: chr16-57994761-G-A.
Other names: c.517C>T, p.Pro173Ser (NM_001135639.2, NM_001286130.2); short protein forms P173S.
Identifiers: ClinVar variation 4883199 (VCV004883199.2).